The following is an entry in ClinVar:

NM_198578.4(LRRK2):c.2735G>C (p.Ser912Thr)

Gene: LRRK2 (leucine rich repeat kinase 2; plus strand). Cytogenetic location: 12q12.
Variant type: single nucleotide variant.
Coding change: c.2735G>C on transcript NM_198578.4 (MANE Select); coding-DNA position 2735, G replaced by C.
Protein change: p.Ser912Thr; replaces serine 912 with threonine.
Molecular consequence: missense variant.
Genome position (GRCh38, 1-based): chr12:40,293,590, G>C. VCF-style: chr12-40293590-G-C. GRCh37 (hg19) VCF-style: chr12-40687392-G-C.
Other names: short protein forms S912T.
Identifiers: ClinVar variation 1795331 (VCV001795331.2), dbSNP rs1400372448, ClinGen allele CA384410836.
Genomic context (GRCh38, chr12:40,293,590, plus strand): 5'-TCATTTTCAAAATAGGAAGTGAAGGCTCATTTCTTGTGAAAAAGAAATCTAATTCAATTA[G>C]TGTAGGAGAATTTTACCGAGATGCCGTATTACAGCGTTGCTCACCAAATTTGCAAAGACA-3'
Protein context (NP_940980.4, residues 902-922): FLVKKKSNSI[Ser912Thr]VGEFYRDAVL

ClinVar aggregate classification (germline): Uncertain significance (1 of 4 stars; one submission).

Conditions:
Inborn genetic diseases. Identifiers: MedGen C0950123, MeSH D030342.

Submission:

Ambry Genetics
Classification: Uncertain significance for Inborn genetic diseases. Last evaluated: 2024-03-20. Review status: criteria provided, single submitter. Criteria: Ambry Variant Classification Scheme 2023. Collection method: clinical testing. Allele origin: germline.
Comment: The p.S912T variant (also known as c.2735G>C), located in coding exon 21 of the LRRK2 gene, results from a G to C substitution at nucleotide position 2735. The serine at codon 912 is replaced by threonine, an amino acid with similar properties. This amino acid position is conserved. In addition, this alteration is predicted to be tolerated by in silico analysis. Since supporting evidence is limited at this time, the clinical significance of this alteration remains unclear.